The following is an entry in ClinVar:

NM_016343.4(CENPF):c.6026T>C (p.Val2009Ala)

Gene: CENPF (centromere protein F; plus strand). Cytogenetic location: 1q41.
Variant type: single nucleotide variant.
Coding change: c.6026T>C on transcript NM_016343.4 (MANE Select); coding-DNA position 6026, T replaced by C.
Protein change: p.Val2009Ala; replaces valine 2009 with alanine.
Molecular consequence: missense variant.
Genome position (GRCh38, 1-based): chr1:214,645,596, T>C. VCF-style: chr1-214645596-T-C. GRCh37 (hg19) VCF-style: chr1-214818939-T-C.
Other names: short protein forms V2009A.
Identifiers: ClinVar variation 1337102 (VCV001337102.13), dbSNP rs202092147, ClinGen allele CA1390895.
Genomic context (GRCh38, chr1:214,645,596, plus strand): 5'-AAGAGCTTGAGTCTCATCAAAGTGAGTGTCTCCATTGCATTCAGGTGGCAGAGGCAGAGG[T>C]GAAGGAAAAGACGGAACTCCTTCAGACTTTGTCCTCTGATGTGAGTGAGCTGTTAAAAGA-3'
Protein context (NP_057427.3, residues 1999-2019): LHCIQVAEAE[Val2009Ala]KEKTELLQTL

ClinVar aggregate classification (germline): Conflicting classifications of pathogenicity. Review status: criteria provided, conflicting classifications (1 of 4 stars). 3 submissions from 3 submitters: Uncertain significance (2); Likely benign (1). Last evaluated 2025-10-01.

Conditions:
Inborn genetic diseases. Identifiers: MedGen C0950123, MeSH D030342.

Allele frequency attached by ClinVar (database versions not stated): TOPMed 0.00006; gnomAD exomes 0.00012 and 0.00018; ExAC 0.00015; ESP Exome Variant Server 0.00023; gnomAD 0.00028 and 0.00030.
gnomAD v4.1: 292 of 1,613,830 alleles (0.018%); highest among the groups gnomAD compares: Non-Finnish European, 0.017%; 1 homozygote.

Submissions (3):

CeGaT Center for Human Genetics Tuebingen
Classification: Likely benign. Last evaluated: 2025-10-01. Review status: criteria provided, single submitter. Criteria: CeGaT Center For Human Genetics Tuebingen Variant Classification Criteria Version 2. Collection method: clinical testing. Allele origin: germline. Affected: yes. Observed: 1 variant allele.
Comment: CENPF: BP4

Ambry Genetics
Classification: Uncertain significance for Inborn genetic diseases. Last evaluated: 2025-09-01. Review status: criteria provided, single submitter. Criteria: Ambry Variant Classification Scheme 2023. Collection method: clinical testing. Allele origin: germline.

Genetic Services Laboratory, University of Chicago
Classification: Uncertain significance. Last evaluated: 2019-03-20. Review status: criteria provided, single submitter. Criteria: ACMG Guidelines, 2015. Collection method: clinical testing. Allele origin: germline. Affected: no.